The following is an entry in ClinVar:

ClinVar aggregate classification (germline): Benign/Likely benign. Review status: criteria provided, multiple submitters, no conflicts (2 of 4 stars). 12 submissions from 10 submitters: Benign (7); Likely benign (1). 4 of the submissions do not count toward it. Last evaluated 2026-02-04.

Conditions:
Autosomal recessive inherited pseudoxanthoma elasticum (PXE). Identifiers: Orphanet 758, MedGen CN032334, MONDO:0009925, OMIM 264800.
Arterial calcification, generalized, of infancy, 2. Identifiers: Orphanet 51608, MedGen C3276161, MONDO:0013768, OMIM 614473.
Pseudoxanthoma elasticum, forme fruste. Also called: Pseudoxanthoma Elasticum, Incomplete; PSEUDOXANTHOMA ELASTICUM, HETEROZYGOUS. Identifiers: Orphanet 758, MedGen C1867450, MONDO:0008333, OMIM 177850.

Allele frequency attached by ClinVar (database versions not stated): gnomAD exomes 0.01373 and 0.01474; 1000 Genomes Project 30x 0.01452; 1000 Genomes Project 0.01458; ExAC 0.01501; gnomAD 0.01638 and 0.01673; TOPMed 0.01738; ESP Exome Variant Server 0.01785.
gnomAD v4.1: 24,174 of 1,614,154 alleles (1.5%); highest among the groups gnomAD compares: South Asian, 3.8%; 282 homozygotes.

Submissions (12):

Labcorp Genetics (formerly Invitae), Labcorp
Classification: Benign. Last evaluated: 2026-02-04. Review status: criteria provided, single submitter. Criteria: Invitae Variant Classification Sherloc (09022015). Collection method: clinical testing. Allele origin: germline.

Mayo Clinic Laboratories, Mayo Clinic
Classification: Benign. Last evaluated: 2025-04-17. Review status: criteria provided, single submitter. Criteria: ACMG Guidelines, 2015. Collection method: clinical testing. Allele origin: germline. Observed: 1 variant allele.
Comment: BS1, BS2, BP4

Blueprint Genetics
Classification: Likely benign. Last evaluated: 2024-11-27. Review status: criteria provided, single submitter. Criteria: ACMG Guidelines, 2015. Collection method: clinical testing. Allele origin: germline.

Genome-Nilou Lab
Classification: Benign for Arterial calcification, generalized, of infancy, 2. Last evaluated: 2021-12-05. Review status: criteria provided, single submitter. Criteria: ACMG Guidelines, 2015. Collection method: clinical testing. Allele origin: germline. Affected: no.

Genome-Nilou Lab
Classification: Benign for Autosomal recessive inherited pseudoxanthoma elasticum. Last evaluated: 2021-12-05. Review status: criteria provided, single submitter. Criteria: ACMG Guidelines, 2015. Collection method: clinical testing. Allele origin: germline. Affected: no.

Genome-Nilou Lab
Classification: Benign for Pseudoxanthoma elasticum, forme fruste. Last evaluated: 2021-12-05. Review status: criteria provided, single submitter. Criteria: ACMG Guidelines, 2015. Collection method: clinical testing. Allele origin: germline. Affected: no.

GeneDx
Classification: Benign. Last evaluated: 2015-03-03. Review status: criteria provided, single submitter. Criteria: GeneDx Variant Classification Process June 2021. Collection method: clinical testing. Allele origin: germline. Affected: yes.

Breakthrough Genomics
Classification: Benign. Review status: criteria provided, single submitter. Criteria: ACMG Guidelines, 2015. Collection method: not provided. Allele origin: germline. Inheritance: Autosomal recessive inheritance. Affected: yes.

PXE International
Classification: Benign for Autosomal recessive inherited pseudoxanthoma elasticum. Last evaluated: 2021-03-01. Review status: no assertion criteria provided. Collection method: research. Allele origin: germline. Inheritance: Autosomal recessive inheritance. Affected: yes. Not counted in ClinVar's aggregate classification.

Clinical Genetics, Academic Medical Center
Classification: Benign. Review status: no assertion criteria provided. Collection method: clinical testing. Allele origin: germline. Affected: yes. Study: VKGL Data-share Consensus. Not counted in ClinVar's aggregate classification.

Joint Genome Diagnostic Labs from Nijmegen and Maastricht, Radboudumc and MUMC+
Classification: Benign. Review status: no assertion criteria provided. Collection method: clinical testing. Allele origin: germline. Affected: yes. Study: VKGL Data-share Consensus. Not counted in ClinVar's aggregate classification.

Laboratory of Diagnostic Genome Analysis, Leiden University Medical Center (LUMC)
Classification: Likely benign. Review status: no assertion criteria provided. Collection method: clinical testing. Allele origin: germline. Affected: yes. Study: VKGL Data-share Consensus. Not counted in ClinVar's aggregate classification.

Literature cited by the submitters: PubMed 32873932 (cited by PXE International); PubMed 16086317 (cited by PXE International).

NM_001171.6(ABCC6):c.2171G>A (p.Arg724Lys)

Gene: ABCC6 (ATP binding cassette subfamily C member 6; minus strand). Cytogenetic location: 16p13.11.
Variant type: single nucleotide variant.
Coding change: c.2171G>A on transcript NM_001171.6 (MANE Select); coding-DNA position 2171, G replaced by A.
Protein change: p.Arg724Lys; replaces arginine 724 with lysine.
Molecular consequence: missense variant. On other transcripts: non-coding transcript variant (1).
Genome position (GRCh38, 1-based): chr16:16,182,488, C>T on the plus strand (G>A on the coding strand, the complement: ABCC6 is on the minus strand). VCF-style: chr16-16182488-C-T. GRCh37 (hg19) VCF-style: chr16-16276345-C-T.
Other names: p.Arg724Lys; c.1829G>A, p.Arg610Lys (NM_001351800.1); short protein forms R724K, R610K.
Identifiers: ClinVar variation 433261 (VCV000433261.22), dbSNP rs58073789, ClinGen allele CA7925996.